The following is an entry in ClinVar:

NM_000324.3(RHAG):c.352G>C (p.Ala118Pro)

Gene: RHAG (Rh associated glycoprotein; minus strand). Cytogenetic location: 6p12.3.
Variant type: single nucleotide variant.
Coding change: c.352G>C on transcript NM_000324.3 (MANE Select); coding-DNA position 352, G replaced by C.
Protein change: p.Ala118Pro; replaces alanine 118 with proline.
Molecular consequence: missense variant.
Genome position (GRCh38, 1-based): chr6:49,618,208, C>G on the plus strand (G>C on the coding strand, the complement: RHAG is on the minus strand). VCF-style: chr6-49618208-C-G. GRCh37 (hg19) VCF-style: chr6-49585921-C-G.
Other names: short protein forms A118P.
Identifiers: ClinVar variation 2656637 (VCV002656637.24), dbSNP rs2532607219, ClinGen allele CA364401904.

ClinVar aggregate classification (germline): Uncertain significance (1 of 4 stars; one submission).

Submission:

CeGaT Center for Human Genetics Tuebingen
Classification: Uncertain significance. Last evaluated: 2023-01-01. Review status: criteria provided, single submitter. Criteria: CeGaT Center For Human Genetics Tuebingen Variant Classification Criteria Version 2. Collection method: clinical testing. Allele origin: germline. Affected: yes. Observed: 1 variant allele.
Comment: RHAG: PM2, PM5:Supporting